The following is an entry in ClinVar:

ClinVar aggregate classification (germline): Benign. Review status: reviewed by expert panel (3 of 4 stars). 14 submissions from 14 submitters: Benign (1). 13 of the submissions do not count toward it. Last evaluated 2019-06-18.

Conditions:
BRCA1-related cancer predisposition. Identifiers: MedGen CN377757, MONDO:0700268.
Breast and/or ovarian cancer. Identifiers: MedGen CN221562.
Hereditary cancer-predisposing syndrome. Also called: Tumor predisposition; Neoplastic Syndromes, Hereditary; Hereditary Cancer Syndrome; Hereditary neoplastic syndrome. Identifiers: Orphanet 140162, MedGen C0027672, MeSH D009386, MONDO:0015356.
Hereditary breast ovarian cancer syndrome. Also called: Hereditary breast and ovarian cancer syndrome (HBOC); Hereditary breast and ovarian cancer syndrome; Hereditary breast and ovarian cancer; Hereditary breast and/or ovarian cancer syndrome; Breast and ovarian cancer; BRCA1- and BRCA2-Associated Hereditary Breast and Ovarian Cancer. Identifiers: Orphanet 145, MedGen C0677776, MeSH D061325, MONDO:0003582. Disease mechanism: loss of function.
Breast-ovarian cancer, familial, susceptibility to, 1 (BROVCA1). Also called: OVARIAN CANCER, SUSCEPTIBILITY TO; BRCA1 Hereditary Breast and Ovarian Cancer. Identifiers: Orphanet 145, MedGen C2676676, MONDO:0011450, OMIM 604370. Disease mechanism: loss of function.

Allele frequency attached by ClinVar (database versions not stated): gnomAD 0.00001; TOPMed 0.00001; ExAC 0.00002; gnomAD exomes 0.00003 and 0.00004.
gnomAD v4.1: 62 of 1,613,966 alleles (0.0038%); highest among the groups gnomAD compares: Middle Eastern, 0.033%; no homozygotes.

Submissions 1 to 5 of 14:

Evidence-based Network for the Interpretation of Germline Mutant Alleles (ENIGMA)
Classification: Benign for Breast-ovarian cancer, familial, susceptibility to, 1. Last evaluated: 2019-06-18. Review status: reviewed by expert panel. Criteria: ENIGMA BRCA1/2 Classification Criteria (2017-06-29). Collection method: curation. Allele origin: germline.
Comment: IARC class based on posterior probability from multifactorial likelihood analysis, thresholds for class as per Plon et al. 2008 (PMID: 18951446). Class 1 based on posterior probability = 0.000442

Labcorp Genetics (formerly Invitae), Labcorp
Classification: Likely benign for Hereditary breast ovarian cancer syndrome. Last evaluated: 2026-01-31. Review status: criteria provided, single submitter. Criteria: Invitae Variant Classification Sherloc (09022015). Collection method: clinical testing. Allele origin: germline. Not counted in ClinVar's aggregate classification.

Women's Health and Genetics/Laboratory Corporation of America, LabCorp
Classification: Uncertain significance. Last evaluated: 2025-09-22. Review status: criteria provided, single submitter. Criteria: LabCorp Variant Classification Summary - May 2015. Collection method: clinical testing. Allele origin: germline. Not counted in ClinVar's aggregate classification.
Comment: Variant summary: BRCA1 c.4520G>C (p.Arg1507Thr) results in a non-conservative amino acid change in the encoded protein sequence. Algorithms developed to predict the effect of missense changes on protein structure and function are either unavailable or do not agree on the potential impact of this missense change. The variant allele was found at a frequency of 2.8e-05 in 251338 control chromosomes. The available data on variant occurrences in the general population are insufficient to allow any conclusion about variant significance. c.4520G>C has been observed in individual(s) affected withaffected with prostate cancer and breast cancer (IsaacssonVelho_2018, Bhai_2021) and in one individual undergoing genetic testing for Hereditary Breast and Ovarian Cancer (Judkins_2005). The variant was also reported in an individual from a cohort selected for atherosclerosis phenotypes (Johnston_2012). These report(s) do not provide unequivocal conclusions about association of the variant with Hereditary Breast And Ovarian Cancer Syndrome. Two publications report experimental evidence evaluating an impact on protein function and these results showed no damaging effect of this variant (Woods_2016, Fernandes_2019). The following publications have been ascertained in the context of this evaluation (PMID: 34326862, 30765603, 29368341, 22703879, 16267036, 31112341, 23704879, 28781887). ClinVar contains an entry for this variant (Variation ID: 41825). Based on the evidence outlined above, the variant was classified as VUS-possibly benign.

Molecular Diagnostics Laboratory, Catalan Institute of Oncology
Classification: Benign for Hereditary cancer-predisposing syndrome. Last evaluated: 2024-10-28. Review status: criteria provided, single submitter. Criteria: ClinGen BRCA1BRCA2 ACMG Specifications BRCA1 V1.0.0. Collection method: clinical testing. Allele origin: germline. Not counted in ClinVar's aggregate classification.
Comment: BS3, BP1_Strong, BP5_Strong c.4520G>C, located in exon 14 (15 according to BIC nomenclature) of the BRCA1 gene, is predicted to result in the substitution of arginine by threonine at codon 1507, p.(Arg1507Thr). This position is outside a (potentially) clinically important functional domain and, moreover, the SpliceAI algorithm predicts no significant impact on splicing (BP1_Strong). The SpliceAI algorithm predicts no significant impact on splicing and the REVEL meta-predictor score for this variant (0.545) is indeterminate regarding the effect that it may have on protein function according Pejaver 2022 thresholds (PMID: 36413997). This variant is found in 3/30524 with a filter allele frequency of 0.0014% at 99% confidence in the gnomAD v2.1.1 database (South Asian exome only non-cancer data set). Reported by two calibrated studies to affect protein function similar to benign control variants (PMIDs:32546644, 30765603)(BS3). Published clinical data for a multifactorial likelihood analysis (PMID: 31131967) showed a combined LR indicative of strong evidence towards benignity (LR 0.022), based on severity of summary family histories (LR 0.09), tumour characteristics (LR 0.21), and co-occurrence (LR 1.139)(BP5_Strong). The variant is present in ClinVar (6x uncertain significance, 3x likely benign, 1x benign) and LOVD (3x VUS, 2x not classified) databases and classified as benign by BRCA Exchange database (‘IARC class based on posterior probability from multifactorial likelihood analysis, thresholds for class as per Plon et al. 2008 (PMID: 18951446). Class 1 based on posterior probability = 0.000442’).Based on currently available information, the variant c.4520G>C is classified as a benign variant to ClinGen- BRCA1 and BRCA2 Guidelines version 1.0.0.

All of Us Research Program, National Institutes of Health
Classification: Uncertain significance for BRCA1-related cancer predisposition. Last evaluated: 2024-05-30. Review status: criteria provided, single submitter. Criteria: ACMG Guidelines, 2015. Collection method: clinical testing. Allele origin: germline. Inheritance: Autosomal dominant inheritance. Observed: 4 variant alleles, 4 heterozygotes. Not counted in ClinVar's aggregate classification.
Comment: This missense variant replaces arginine with threonine at codon 1507 of the BRCA1 protein. Computational prediction is inconclusive regarding the impact of this variant on protein structure and function (internally defined REVEL score threshold 0.5 < inconclusive < 0.7, PMID: 27666373). Functional studies have reported that this variant does not impact BRCA1 function in a transcription activation assay and a murine homology-mediated repair assay (PMID: 28781187, 32546644). This variant has been reported in individuals and families affected with breast and/or ovarian cancer and in unaffected individuals (PMID: 16267036, 33471991; Leiden Open Variation Database DB-ID BRCA1_001353; Color internal data) and prostate cancer (PMID: 29368341; Color internal data). A multifactorial analysis has reported likelihood ratios for pathogenicity of 0.21, 1.1391 and 0.0906 based on tumor pathology, co-occurrence and family history, respectively (PMID: 31131967). This variant has been identified in 7/251338 chromosomes in the general population by the Genome Aggregation Database (gnomAD). Although the available evidence indicates that this variant may not be associated with disease, additional studies are necessary to determine the role of this variant in disease conclusively. Therefore, this variant is classified as a Variant of Uncertain Significance.

This study involves interpretation of variants in research participants for the purpose of population health screening. Participant phenotype was not available at the time of variant classification. Additional details can be found in publication PMID: 35346344, PMCID: PMC8962531

NM_007294.4(BRCA1):c.4520G>C (p.Arg1507Thr)

Gene: BRCA1 (BRCA1 DNA repair associated; minus strand). Cytogenetic location: 17q21.31.
Variant type: single nucleotide variant.
Coding change: c.4520G>C on transcript NM_007294.4 (MANE Select); coding-DNA position 4520, G replaced by C.
Protein change: p.Arg1507Thr; replaces arginine 1507 with threonine.
Molecular consequence: missense variant. On other transcripts: non-coding transcript variant (1).
Genome position (GRCh38, 1-based): chr17:43,074,486, C>G on the plus strand (G>C on the coding strand, the complement: BRCA1 is on the minus strand). VCF-style: chr17-43074486-C-G. GRCh37 (hg19) VCF-style: chr17-41226503-C-G.
Other names: c.4394G>C, p.Arg1465Thr (NM_001407676.1, NM_001407677.1, NM_001407678.1 and 11 more transcripts); c.4391G>C, p.Arg1464Thr (NM_001407681.1, NM_001407682.1, NM_001407683.1 and 6 more transcripts); c.4520G>C, p.Arg1507Thr (NM_001407684.1, NM_001407854.1, NM_001407593.1 and 8 more transcripts); c.4388G>C, p.Arg1463Thr (NM_001407690.1, NM_001407691.1); c.4379G>C, p.Arg1460Thr (NM_001407692.1, NM_001407694.1, NM_001407695.1 and 13 more transcripts); c.4376G>C, p.Arg1459Thr (NM_001407732.1, NM_001407733.1, NM_001407734.1 and 21 more transcripts); c.4373G>C, p.Arg1458Thr (NM_001407838.1, NM_001407839.1, NM_001407841.1 and 12 more transcripts); c.4517G>C, p.Arg1506Thr (NM_001407858.1, NM_001407859.1, NM_001407860.1 and 17 more transcripts); and 69 more; short protein forms R1507T, R1460T, R1528T, R403T, R1418T, R1437T, R1458T, R1459T.
Identifiers: ClinVar variation 41825 (VCV000041825.37), dbSNP rs80357470, ClinGen allele CA002891.